The following is an entry in ClinVar:

NM_001035.3(RYR2):c.12000G>A (p.Val4000=)

Gene: RYR2 (ryanodine receptor 2; plus strand). Cytogenetic location: 1q43.
Variant type: single nucleotide variant.
Coding change: c.12000G>A on transcript NM_001035.3 (MANE Select); coding-DNA position 12000, G replaced by A.
Protein change: p.Val4000=; no amino-acid change (valine 4000 retained).
Molecular consequence: synonymous variant.
Genome position (GRCh38, 1-based): chr1:237,783,712, G>A. VCF-style: chr1-237783712-G-A. GRCh37 (hg19) VCF-style: chr1-237947012-G-A.
Other names: c.12000G>A (NM_001035.2).
Identifiers: ClinVar variation 1988650 (VCV001988650.6), dbSNP rs1172758996, ClinGen allele CA424031758.

ClinVar aggregate classification (germline): Likely benign. Review status: criteria provided, multiple submitters, no conflicts (2 of 4 stars). 3 submissions from 3 submitters: Likely benign (3). Last evaluated 2025-07-24.

Conditions:
Cardiovascular phenotype. Identifiers: MedGen CN230736.
Catecholaminergic polymorphic ventricular tachycardia 1. Also called: VENTRICULAR TACHYCARDIA, CATECHOLAMINERGIC POLYMORPHIC, 1, WITH OR WITHOUT ATRIAL DYSFUNCTION AND/OR DILATED CARDIOMYOPATHY; RYR2-Related Catecholaminergic Polymorphic Ventricular Tachycardia; VENTRICULAR TACHYCARDIA, STRESS-INDUCED POLYMORPHIC 1. Identifiers: Orphanet 3286, MedGen C1631597, MONDO:0011484, OMIM 604772.

Allele frequency attached by ClinVar (database versions not stated): gnomAD exomes below 0.00001.
gnomAD v4.1: 4 of 1,610,550 alleles (0.00025%); highest among the groups gnomAD compares: Non-Finnish European, 0.00034%; no homozygotes.

Submissions (3):

Molecular Diagnostic Laboratory for Inherited Cardiovascular Disease, Montreal Heart Institute
Classification: Likely benign. Last evaluated: 2025-07-24. Review status: criteria provided, single submitter. Criteria: ACMG Guidelines, 2015. Collection method: clinical testing. Allele origin: germline. Affected: no.
Comment: BP7

Ambry Genetics
Classification: Likely benign for Cardiovascular phenotype. Last evaluated: 2024-08-19. Review status: criteria provided, single submitter. Criteria: Ambry Variant Classification Scheme 2023. Collection method: clinical testing. Allele origin: germline.

Labcorp Genetics (formerly Invitae), Labcorp
Classification: Likely benign for Catecholaminergic polymorphic ventricular tachycardia 1. Last evaluated: 2022-11-11. Review status: criteria provided, single submitter. Criteria: Invitae Variant Classification Sherloc (09022015). Collection method: clinical testing. Allele origin: germline.